The following is an entry in ClinVar:

ClinVar aggregate classification (germline): Uncertain significance (1 of 4 stars; one submission).

Conditions:
Parkinsonism-dystonia, infantile. Identifiers: Orphanet 238455, MedGen C2751067, MONDO:0013150.

gnomAD v4.1: 1 of 1,612,856 alleles (0.000062%); highest among the groups gnomAD compares: Non-Finnish European, 0.000085%; no homozygotes.

Submission:

Labcorp Genetics (formerly Invitae), Labcorp
Classification: Uncertain significance for Parkinsonism-dystonia, infantile. Last evaluated: 2022-07-15. Review status: criteria provided, single submitter. Criteria: Invitae Variant Classification Sherloc (09022015). Collection method: clinical testing. Allele origin: germline.
Comment: In summary, the available evidence is currently insufficient to determine the role of this variant in disease. Therefore, it has been classified as a Variant of Uncertain Significance. Algorithms developed to predict the effect of missense changes on protein structure and function (SIFT, PolyPhen-2, Align-GVGD) all suggest that this variant is likely to be disruptive. This variant has not been reported in the literature in individuals affected with SLC6A3-related conditions. This variant is not present in population databases (gnomAD no frequency). This sequence change replaces valine, which is neutral and non-polar, with leucine, which is neutral and non-polar, at codon 363 of the SLC6A3 protein (p.Val363Leu).

NM_001044.5(SLC6A3):c.1087G>C (p.Val363Leu)

Gene: SLC6A3 (solute carrier family 6 member 3). Cytogenetic location: 5p15.33.
Variant type: single nucleotide variant.
Coding change: c.1087G>C on transcript NM_001044.5 (MANE Select); coding-DNA position 1087, G replaced by C.
Protein change: p.Val363Leu; replaces valine 363 with leucine.
Molecular consequence: missense variant.
Genome position (GRCh38, 1-based): chr5:1,414,760, C>G on the plus strand (G>C on the coding strand, the complement: SLC6A3 is on the minus strand). VCF-style: chr5-1414760-C-G. GRCh37 (hg19) VCF-style: chr5-1414875-C-G.
Other names: short protein forms V363L.
Identifiers: ClinVar variation 2167227 (VCV002167227.4), dbSNP rs750843353, ClinGen allele CA359083165.